The following is an entry in ClinVar:

ClinVar aggregate classification (germline): Likely pathogenic (1 of 4 stars; one submission).

Conditions:
Mucopolysaccharidosis, MPS-IV-B (MPS4B). Also called: Mucopolysaccharidosis type IV B; Mucopolysaccharidosis Type IVB (Morquio B Disease); MORQUIO SYNDROME B; Mucopolysaccharidosis type 4B; Mucopolysaccharidosis Type IVB; Mucopolysaccharidosis type IVB (Morquio). Identifiers: Orphanet 309310, Orphanet 582, MedGen C0086652, MONDO:0009660, OMIM 253010.
GM1 gangliosidosis. Identifiers: Orphanet 354, MedGen C0085131, MONDO:0018149.

Submission:

Labcorp Genetics (formerly Invitae), Labcorp
Classification: Likely pathogenic for Mucopolysaccharidosis, MPS-IV-B; GM1 gangliosidosis. Last evaluated: 2019-11-15. Review status: criteria provided, single submitter. Criteria: Invitae Variant Classification Sherloc (09022015). Collection method: clinical testing. Allele origin: germline.
Comment: In summary, the currently available evidence indicates that the variant is pathogenic, but additional data are needed to prove that conclusively. Therefore, this variant has been classified as Likely Pathogenic. This variant disrupts the p.Arg590 amino acid residue in GLB1. Other variant(s) that disrupt this residue have been determined to be pathogenic (PMID: 16941474, 23430803, 17309651). This suggests that this residue is clinically significant, and that variants that disrupt this residue are likely to be disease-causing. This variant has not been reported in the literature in individuals with GLB1-related conditions. This variant is not present in population databases (ExAC no frequency). This sequence change results in a premature translational stop signal in the GLB1 gene (p.Asp564Argfs*21). While this is not anticipated to result in nonsense mediated decay, it is expected to disrupt the last 114 amino acids of the GLB1 protein.

Literature cited by the submitters: PubMed 16941474; PubMed 23430803; PubMed 17309651.

NM_000404.4(GLB1):c.1685dup (p.Asp564fs)

Gene: GLB1 (galactosidase beta 1; minus strand). Cytogenetic location: 3p22.3.
Variant type: Duplication.
Coding change: c.1685dup on transcript NM_000404.4 (MANE Select); coding-DNA position 1685, one base duplicated (T; older notation c.1685dupT).
Protein change: p.Asp564fs; shifts the reading frame from aspartic acid 564.
Molecular consequence: frameshift variant.
Genome position (GRCh38, 1-based): chr3:33,014,105, A duplicated on the plus strand (T on the coding strand, the reverse complement: GLB1 is on the minus strand). VCF-style (leftmost placement, unchanged base first): chr3-33014104-G-GA. GRCh37 (hg19) VCF-style: chr3-33055596-G-GA.
Other names: c.1595dup, p.Asp534fs (NM_001079811.3); c.1292dup, p.Asp433fs (NM_001135602.3); c.1829dup, p.Asp612fs (NM_001317040.2); c.1685dup, p.Asp564fs (NM_001393580.1); short protein forms D433fs, D612fs, D534fs, D564fs.
Identifiers: ClinVar variation 959418 (VCV000959418.6), dbSNP rs1697138071, ClinGen allele CA1139657922.